The following is an entry in ClinVar:

ClinVar aggregate classification (germline): Likely pathogenic (1 of 4 stars; one submission).

Submission:

Labcorp Genetics (formerly Invitae), Labcorp
Classification: Likely pathogenic. Last evaluated: 2022-05-04. Review status: criteria provided, single submitter. Criteria: Invitae Variant Classification Sherloc (09022015). Collection method: clinical testing. Allele origin: germline.
Comment: In summary, the currently available evidence indicates that the variant is pathogenic, but additional data are needed to prove that conclusively. Therefore, this variant has been classified as Likely Pathogenic. This variant has not been reported in the literature in individuals affected with NFKB1-related conditions. This variant results in the deletion of exon 6 and part of exon 7 (c.259-325_546del) of the NFKB1 gene. It is expected to disrupt RNA splicing. Variants that disrupt the donor or acceptor splice site typically lead to a loss of protein function (PMID: 16199547), and loss-of-function variants in NFKB1 are known to be pathogenic (PMID: 26279205, 29477724).

Literature cited by the submitters: PubMed 16199547; PubMed 26279205; PubMed 29477724.

NC_000004.11:g.(?_103487819)_(103498171_?)del

Gene: NFKB1 (nuclear factor kappa B subunit 1; plus strand). Cytogenetic location: 4q24.
Variant type: Deletion.
Identifiers: ClinVar variation 2424809 (VCV002424809.4).